The following is an entry in ClinVar:

NM_052947.4(ALPK2):c.2209C>A (p.Leu737Ile)

Gene: ALPK2 (alpha kinase 2; minus strand). Cytogenetic location: 18q21.31.
Variant type: single nucleotide variant.
Coding change: c.2209C>A on transcript NM_052947.4 (MANE Select); coding-DNA position 2209, C replaced by A.
Protein change: p.Leu737Ile; replaces leucine 737 with isoleucine.
Molecular consequence: missense variant.
Genome position (GRCh38, 1-based): chr18:58,537,978, G>T on the plus strand (C>A on the coding strand, the complement: ALPK2 is on the minus strand). VCF-style: chr18-58537978-G-T. GRCh37 (hg19) VCF-style: chr18-56205210-G-T.
Other names: short protein forms L737I.
Identifiers: ClinVar variation 2564054 (VCV002564054.2), dbSNP rs2518877988, ClinGen allele CA402571263.

ClinVar aggregate classification (germline): Uncertain significance (1 of 4 stars; one submission).

Submission:

Ambry Genetics
Classification: Uncertain significance. Last evaluated: 2023-04-13. Review status: criteria provided, single submitter. Criteria: Ambry Variant Classification Scheme 2023. Collection method: clinical testing. Allele origin: germline.
Comment: The p.L737I variant (also known as c.2209C>A), located in coding exon 4 of the ALPK2 gene, results from a C to A substitution at nucleotide position 2209. The leucine at codon 737 is replaced by isoleucine, an amino acid with highly similar properties. This amino acid position is conserved. In addition, this alteration is predicted to be tolerated by in silico analysis. Since supporting evidence is limited at this time, the clinical significance of this alteration remains unclear.